The following is an entry in ClinVar:

NM_001754.5(RUNX1):c.180C>A (p.Ala60=)

Gene: RUNX1 (RUNX family transcription factor 1; minus strand). Cytogenetic location: 21q22.12.
Variant type: single nucleotide variant.
Coding change: c.180C>A on transcript NM_001754.5 (MANE Select); coding-DNA position 180, C replaced by A.
Protein change: p.Ala60=; no amino-acid change (alanine 60 retained).
Molecular consequence: synonymous variant.
Genome position (GRCh38, 1-based): chr21:34,887,014, G>T on the plus strand (C>A on the coding strand, the complement: RUNX1 is on the minus strand). VCF-style: chr21-34887014-G-T. GRCh37 (hg19) VCF-style: chr21-36259311-G-T.
Other names: NM_001754.5(RUNX1):c.180C>A; p.Ala60=; c.99C>A, p.Ala33= (NM_001001890.3, NM_001122607.2).
Identifiers: ClinVar variation 2865768 (VCV002865768.7), dbSNP rs375562861, ClinGen allele CA512318940.

ClinVar aggregate classification (germline): Likely benign. Review status: reviewed by expert panel (3 of 4 stars). 3 submissions from 3 submitters: Likely benign (1). 2 of the submissions do not count toward it. Last evaluated 2026-05-04.

Conditions:
Inborn genetic diseases. Identifiers: MedGen C0950123, MeSH D030342.
Hereditary thrombocytopenia and hematological cancer predisposition syndrome associated with RUNX1. Also called: Familial Platelet Disorder with Propensity to Acute Myelogenous Leukemia; Familial thrombocytopenia with propensity to acute myelogenous leukemia; PLATELET DISORDER, ASPIRIN-LIKE; RUNX1 Familial Platelet Disorder with Associated Myeloid Malignancies. Identifiers: Orphanet 71290, MedGen C1832388, MeSH C563324, MONDO:0100083, OMIM 601399.
Hereditary thrombocytopenia and hematologic cancer predisposition syndrome. Identifiers: Orphanet 71290, MedGen CN281654, MONDO:0011071.

Submissions (3):

ClinGen Myeloid Malignancy Variant Curation Expert Panel
Classification: Likely benign for Hereditary thrombocytopenia and hematologic cancer predisposition syndrome. Last evaluated: 2026-05-04. Review status: reviewed by expert panel. Criteria: ClinGen MyeloMalig ACMG Specifications V3.1. Collection method: curation. Allele origin: germline. Inheritance: Autosomal dominant inheritance.
Comment: NM_001754.5(RUNX1):c.180C>A (p.Ala60=) is a synonymous variant which has a SpliceAI score ≤ 0.20 (0.01) (BP4, BP7). This variant is completely absent from all population databases with at least 20x coverage for RUNX1 (PM2_supporting). In summary, this variant meets criteria to be classified as likely benign. ACMG/AMP criteria applied, as specified by the Myeloid Malignancy Variant Curation Expert Panel for RUNX1: BP4, BP7, PM2_supporting.

Ambry Genetics
Classification: Likely benign for Inborn genetic diseases. Last evaluated: 2025-12-13. Review status: criteria provided, single submitter. Criteria: Ambry Variant Classification Scheme 2023. Collection method: clinical testing. Allele origin: germline. Not counted in ClinVar's aggregate classification.

Labcorp Genetics (formerly Invitae), Labcorp
Classification: Likely benign for Hereditary thrombocytopenia and hematological cancer predisposition syndrome associated with RUNX1. Last evaluated: 2023-05-19. Review status: criteria provided, single submitter. Criteria: Invitae Variant Classification Sherloc (09022015). Collection method: clinical testing. Allele origin: germline. Not counted in ClinVar's aggregate classification.